The following is an entry in ClinVar:

ClinVar aggregate classification (germline): Likely pathogenic (1 of 4 stars; one submission).

Conditions:
Fabry disease. Also called: ALPHA-GALACTOSIDASE A DEFICIENCY; ANDERSON-FABRY DISEASE; CERAMIDE TRIHEXOSIDASE DEFICIENCY; GLA DEFICIENCY; HEREDITARY DYSTOPIC LIPIDOSIS; Angiokeratoma corporis diffusum. Identifiers: Orphanet 324, MedGen C0002986, MONDO:0010526, OMIM 301500, HP:0001071. Disease mechanism: Fabry disease is due to inactivating mutations in the X-linked GLA gene resulting in deficiency of the enzyme Alpha Galactosidase-A., loss of function.

Submission:

Genomenon, Inc
Classification: Likely pathogenic for Fabry disease. Last evaluated: 2026-09-08. Review status: criteria provided, single submitter. Criteria: Genomenon Sequence Variant Interpretation Standards - Updated. Collection method: curation. Allele origin: germline. Affected: no.
Comment: GLA p.Gln312His (c.936G>T) is a missense variant that changes the amino acid at codon 312 from Glutamine to Histidine. To our knowledge, this variant has not been reported in patients affected with Fabry disease in the published literature. At least one functional study has demonstrated a substantial alteration in protein function relative to the wild-type (PMID:16595074). It is absent or not present at a significant frequency in gnomAD. In silico models predict that this variant is possibly or probably damaging. In conclusion, we classify GLA p.Gln312His (c.936G>T) as a likely pathogenic variant.

Literature cited by the submitters: PubMed 16595074.

NM_000169.3(GLA):c.936G>T (p.Gln312His)

Genes: GLA (galactosidase alpha; minus strand), RPL36A-HNRNPH2 (RPL36A-HNRNPH2 readthrough; plus strand). Cytogenetic location: Xq22.1.
Variant type: single nucleotide variant.
Coding change: c.936G>T on transcript NM_000169.3 (MANE Select); coding-DNA position 936, G replaced by T.
Protein change: p.Gln312His; replaces glutamine 312 with histidine.
Molecular consequence: missense variant. On other transcripts: non-coding transcript variant (3), intron variant (2).
Genome position (GRCh38, 1-based): chrX:101,398,433, C>A on the plus strand (G>T on the coding strand, the complement: GLA is on the minus strand). VCF-style: chrX-101398433-C-A. GRCh37 (hg19) VCF-style: chrX-100653421-C-A.
Other names: c.1059G>T, p.Gln353His (NM_001406747.1); c.936G>T, p.Gln312His (NM_001406748.1); c.300+2976C>A (NM_001199973.2); c.177+6611C>A (NM_001199974.2); short protein forms Q312H, Q353H.
Identifiers: ClinVar variation 4087590 (VCV004087590.2).
Genomic context (GRCh38, chrX:101,398,433, plus strand): 5'-TCTAAGCTGGTACCCTTGCTTGCCCAAGGGGTCCTGATTGATGGCAATTACGTCCTTATC[C>A]TGAAGGAGAGCTTTGGCTTGAGGGCTGATGTGTCGGAGGTCATTAGACATGAATAAAGGA-3'
Protein context (NP_000160.1, residues 302-322): HISPQAKALL[Gln312His]DKDVIAINQD